The following is an entry in ClinVar:

ClinVar aggregate classification (germline): Uncertain significance (1 of 4 stars; one submission).

Submission:

Quest Diagnostics Nichols Institute San Juan Capistrano
Classification: Uncertain significance. Last evaluated: 2022-12-14. Review status: criteria provided, single submitter. Criteria: Quest Diagnostics criteria. Collection method: clinical testing. Allele origin: unknown.
Comment: This variant has not been reported in the published literature. It also has not been reported in large, multi-ethnic general populations. Analysis of this variant using bioinformatics tools for the prediction of the effect of amino acid changes on protein structure and function yielded predictions that this variant is damaging. Based on the available information, we are unable to determine the clinical significance of this variant.

NM_000264.5(PTCH1):c.2822T>C (p.Ile941Thr)

Gene: PTCH1 (patched 1; minus strand). Cytogenetic location: 9q22.32.
Variant type: single nucleotide variant.
Coding change: c.2822T>C on transcript NM_000264.5 (MANE Select); coding-DNA position 2822, T replaced by C.
Protein change: p.Ile941Thr; replaces isoleucine 941 with threonine.
Molecular consequence: missense variant. On other transcripts: non-coding transcript variant (1).
Genome position (GRCh38, 1-based): chr9:95,459,665, A>G on the plus strand (T>C on the coding strand, the complement: PTCH1 is on the minus strand). VCF-style: chr9-95459665-A-G. GRCh37 (hg19) VCF-style: chr9-98221947-A-G.
Other names: c.2624T>C, p.Ile875Thr (NM_001083602.3); c.2819T>C, p.Ile940Thr (NM_001083603.3); c.2369T>C, p.Ile790Thr (NM_001083604.3, NM_001083605.3, NM_001083606.3 and 1 more transcripts); c.2666T>C, p.Ile889Thr (NM_001354918.2); short protein forms I790T, I875T, I889T, I940T, I941T.
Identifiers: ClinVar variation 2682062 (VCV002682062.1), dbSNP rs2136671024, ClinGen allele CA374113005.